The following is an entry in ClinVar:

NM_052988.5(CDK10):c.357C>A (p.Tyr119Ter)

Gene: CDK10 (cyclin dependent kinase 10; plus strand). Cytogenetic location: 16q24.3.
Variant type: single nucleotide variant.
Coding change: c.357C>A on transcript NM_052988.5 (MANE Select); coding-DNA position 357, C replaced by A.
Protein change: p.Tyr119Ter; replaces tyrosine 119 with a stop codon.
Molecular consequence: nonsense. On other transcripts: non-coding transcript variant (2).
Genome position (GRCh38, 1-based): chr16:89,691,827, C>A. VCF-style: chr16-89691827-C-A. GRCh37 (hg19) VCF-style: chr16-89758235-C-A.
Other names: c.144C>A, p.Tyr48Ter (NM_001098533.3, NM_001160367.2, NM_052987.4); short protein forms Y119*, Y48*.
Identifiers: ClinVar variation 4852387 (VCV004852387.1).

ClinVar aggregate classification (germline): Likely pathogenic (1 of 4 stars; one submission).

Conditions:
Al Kaissi syndrome. Also called: GROWTH RETARDATION, SPINE MALFORMATION, DYSMORPHIC FACIES, AND DEVELOPMENTAL DELAY. Identifiers: MedGen C4540156, MONDO:0044324, OMIM 617694.

Submission:

MVZ Medizinische Genetik Mainz
Classification: Likely pathogenic for Al Kaissi syndrome. Last evaluated: 2026-04-20. Review status: criteria provided, single submitter. Criteria: UK Practice Guidelines For Variant Classification V4 01 2020. Collection method: clinical testing. Allele origin: germline. Inheritance: Autosomal recessive inheritance. Affected: yes. Observed: 1 variant allele.
Comment: ACMG Criteria: PVS1_STR,PM3,PM2_SUP; Compound Heterozygote